The following is an entry in ClinVar:

NM_017613.4(DONSON):c.763C>T (p.Gln255Ter)

Gene: DONSON (DNA replication fork stabilization factor DONSON; minus strand). Cytogenetic location: 21q22.11.
Variant type: single nucleotide variant.
Coding change: c.763C>T on transcript NM_017613.4 (MANE Select); coding-DNA position 763, C replaced by T.
Protein change: p.Gln255Ter; replaces glutamine 255 with a stop codon.
Molecular consequence: nonsense.
Genome position (GRCh38, 1-based): chr21:33,584,612, G>A on the plus strand (C>T on the coding strand, the complement: DONSON is on the minus strand). VCF-style: chr21-33584612-G-A. GRCh37 (hg19) VCF-style: chr21-34956918-G-A.
Other names: short protein forms Q255*.
Identifiers: ClinVar variation 3384066 (VCV003384066.1).

ClinVar aggregate classification (germline): Likely pathogenic (1 of 4 stars; one submission).

Conditions:
Microcephaly. Also called: Microcephaly (disease). Identifiers: MedGen C4551563, MONDO:0001149, HP:0000252.

Submission:

Dubai Health Genomic Medicine Center, Dubai Health
Classification: Likely pathogenic for Microcephaly. Last evaluated: 2024-10-04. Review status: criteria provided, single submitter. Criteria: ACMG Guidelines, 2015. Collection method: research. Allele origin: germline. Affected: yes.
Comment: PVS1,PM2